The following is an entry in ClinVar:

NM_206926.2(SELENON):c.595G>A (p.Gly199Ser)

Gene: SELENON (selenoprotein N; plus strand). Cytogenetic location: 1p36.11.
Variant type: single nucleotide variant.
Coding change: c.595G>A on transcript NM_206926.2 (MANE Select); coding-DNA position 595, G replaced by A.
Protein change: p.Gly199Ser; replaces glycine 199 with serine.
Molecular consequence: missense variant.
Genome position (GRCh38, 1-based): chr1:25,808,739, G>A. VCF-style: chr1-25808739-G-A. GRCh37 (hg19) VCF-style: chr1-26135230-G-A.
Other names: c.697G>A, p.Gly233Ser (NM_020451.3); short protein forms G199S, G233S.
Identifiers: ClinVar variation 1428228 (VCV001428228.8), dbSNP rs2124447513, ClinGen allele CA339112312.
Genomic context (GRCh38, chr1:25,808,739, plus strand): 5'-CCAGGCCAGGAGCTGGGTGAGCCCTGGTGGATCATCCCCAGTGAGCTGAGCATGTTCACT[G>A]GCTACCTGTCCAACAACCGCTTCTATCCACCGCCGCCCAAGGGCAAGGAGGTGAGGACAG-3'
Protein context (NP_996809.1, residues 189-209): IIPSELSMFT[Gly199Ser]YLSNNRFYPP

ClinVar aggregate classification (germline): Uncertain significance (1 of 4 stars; one submission).

Conditions:
Eichsfeld type congenital muscular dystrophy (CMYO3). Also called: MYOPATHY, SEPN1-RELATED; SELENON-related myopathy; Congenital myopathy 3 with rigid spine; Rigid spine muscular dystrophy 1. Identifiers: MedGen C0410180, MONDO:0100100, OMIM 602771.

Submission:

Labcorp Genetics (formerly Invitae), Labcorp
Classification: Uncertain significance for Eichsfeld type congenital muscular dystrophy. Last evaluated: 2022-03-08. Review status: criteria provided, single submitter. Criteria: Invitae Variant Classification Sherloc (09022015). Collection method: clinical testing. Allele origin: germline.
Comment: This sequence change replaces glycine, which is neutral and non-polar, with serine, which is neutral and polar, at codon 233 of the SELENON protein (p.Gly233Ser). This variant is not present in population databases (gnomAD no frequency). This variant has not been reported in the literature in individuals affected with SELENON-related conditions. Algorithms developed to predict the effect of missense changes on protein structure and function are either unavailable or do not agree on the potential impact of this missense change (SIFT: "Deleterious"; PolyPhen-2: "Benign"; Align-GVGD: "Class C55"). In summary, the available evidence is currently insufficient to determine the role of this variant in disease. Therefore, it has been classified as a Variant of Uncertain Significance.